The following is an entry in ClinVar:

ClinVar aggregate classification (germline): Pathogenic/Likely pathogenic. Review status: criteria provided, multiple submitters, no conflicts (2 of 4 stars). 7 submissions from 7 submitters: Pathogenic (4); Likely pathogenic (1). 2 of the submissions do not count toward it. Last evaluated 2026-06-12.

Conditions:
BLM-related disorder. Also called: BLM-related condition.
Hereditary cancer-predisposing syndrome. Also called: Hereditary Cancer Syndrome; Neoplastic Syndromes, Hereditary; Hereditary neoplastic syndrome; Tumor predisposition. Identifiers: Orphanet 140162, MedGen C0027672, MeSH D009386, MONDO:0015356.
Bloom syndrome (BLM). Also called: Bloom-Torre-Machacek syndrome. Identifiers: Orphanet 125, MedGen C0005859, MONDO:0008876, OMIM 210900.

Allele frequency attached by ClinVar (database versions not stated): gnomAD 0.00001; gnomAD exomes 0.00001; ExAC 0.00002.

Submissions (7):

Myriad Genetics, Inc.
Classification: Pathogenic for Bloom syndrome. Last evaluated: 2026-06-12. Review status: criteria provided, single submitter. Criteria: Myriad Autosomal Dominant, Autosomal Recessive and X-Linked Classification Criteria (2023). Collection method: clinical testing. Allele origin: unknown.
Comment: NM_000057.3(BLM):c.2488dupA(T830Nfs*5) is a frameshift variant classified as pathogenic in the context of Bloom syndrome. T830Nfs*5 has been observed in a case with relevant disease (PMID: 17407155). Relevant functional assessments of this variant are not available in the literature. T830Nfs*5 has been observed in referenced population frequency databases. In summary, NM_000057.3(BLM):c.2488dupA(T830Nfs*5) is a frameshift variant in a gene where loss of function is a known mechanism of disease, is predicted to disrupt protein function, and has been observed more frequently in cases with the relevant disease than in healthy populations. Please note: this variant was assessed in the context of healthy population screening.

Labcorp Genetics (formerly Invitae), Labcorp
Classification: Pathogenic for Bloom syndrome. Last evaluated: 2025-12-21. Review status: criteria provided, single submitter. Criteria: Invitae Variant Classification Sherloc (09022015). Collection method: clinical testing. Allele origin: germline.
Comment: This sequence change creates a premature translational stop signal (p.Thr830Asnfs*5) in the BLM gene. It is expected to result in an absent or disrupted protein product. Loss-of-function variants in BLM are known to be pathogenic (PMID: 17407155). This variant is present in population databases (rs772909011, gnomAD 0.003%). This premature translational stop signal has been observed in individual(s) with Bloom syndrome (PMID: 17407155). In at least one individual the data is consistent with being in trans (on the opposite chromosome) from a pathogenic variant. ClinVar contains an entry for this variant (Variation ID: 42178). For these reasons, this variant has been classified as Pathogenic.

Baylor Genetics
Classification: Pathogenic for Bloom syndrome. Last evaluated: 2024-03-11. Review status: criteria provided, single submitter. Criteria: ACMG Guidelines, 2015. Collection method: clinical testing. Allele origin: unknown.

Ambry Genetics
Classification: Pathogenic for Hereditary cancer-predisposing syndrome. Last evaluated: 2022-09-07. Review status: criteria provided, single submitter. Criteria: Ambry Variant Classification Scheme 2023. Collection method: clinical testing. Allele origin: germline.
Comment: The c.2488dupA pathogenic mutation, located in coding exon 11 of the BLM gene, results from a duplication of A at nucleotide position 2488, causing a translational frameshift with a predicted alternate stop codon (p.T830Nfs*5). This alteration was reported in an individual with a second protein truncating BLM alteration and a clinical diagnosis of Bloom syndrome (German J et al. Hum. Mutat., 2007 Aug;28:743-53). In addition to the information presented in the literature, since alteration is expected to result in loss of function by premature protein truncation or nonsense-mediated mRNA decay. As such, this alteration is interpreted as a disease-causing mutation.

Blueprint Genetics
Classification: Likely pathogenic for BLM-related disorders. Last evaluated: 2021-12-02. Review status: criteria provided, single submitter. Criteria: ACMG Guidelines, 2015. Collection method: clinical testing. Allele origin: germline. Affected: yes. Observed: 1 variant allele.

Natera, Inc.
Classification: Pathogenic for Bloom syndrome. Last evaluated: 2017-03-16. Review status: no assertion criteria provided. Collection method: clinical testing. Allele origin: germline. Not counted in ClinVar's aggregate classification.

Counsyl
Classification: Likely pathogenic for Bloom syndrome. Last evaluated: 2016-08-01. Review status: no assertion criteria provided. Collection method: clinical testing. Allele origin: unknown. Not counted in ClinVar's aggregate classification.

Literature cited by the submitters: PubMed 17407155 (cited by 4 submitters); PubMed 26247052 (cited by Ambry Genetics and Counsyl).

NM_000057.4(BLM):c.2488dup (p.Thr830fs)

Gene: BLM (BLM RecQ like helicase; plus strand). Cytogenetic location: 15q26.1.
Variant type: Duplication.
Coding change: c.2488dup on transcript NM_000057.4 (MANE Select); coding-DNA position 2488, one base duplicated (A; older notation c.2488dupA).
Protein change: p.Thr830fs; shifts the reading frame from threonine 830.
Molecular consequence: frameshift variant.
Genome position (GRCh38, 1-based): chr15:90,769,519, A duplicated. VCF-style (leftmost placement, unchanged base first): chr15-90769518-T-TA. GRCh37 (hg19) VCF-style: chr15-91312748-T-TA.
Other names: c.2488_2489dup (LRG_20t1); c.2488dup, p.Thr830fs (NM_001287246.2, NM_001287247.2); c.1363dup, p.Thr455fs (NM_001287248.2); c.2488dup (NM_000057.3); c.2488dupA (NM_000057.2); short protein forms T455fs, T830fs.
Identifiers: ClinVar variation 42178 (VCV000042178.21), dbSNP rs367543019, ClinGen allele CA344654.